The following is an entry in ClinVar:

ClinVar aggregate classification (germline): Uncertain significance (1 of 4 stars; one submission).

Submission:

Labcorp Genetics (formerly Invitae), Labcorp
Classification: Uncertain significance. Last evaluated: 2022-03-13. Review status: criteria provided, single submitter. Criteria: Invitae Variant Classification Sherloc (09022015). Collection method: clinical testing. Allele origin: germline.
Comment: This sequence change replaces alanine, which is neutral and non-polar, with proline, which is neutral and non-polar, at codon 127 of the COQ7 protein (p.Ala127Pro). This variant is not present in population databases (gnomAD no frequency). This variant has not been reported in the literature in individuals affected with COQ7-related conditions. In summary, the available evidence is currently insufficient to determine the role of this variant in disease. Therefore, it has been classified as a Variant of Uncertain Significance. Algorithms developed to predict the effect of missense changes on protein structure and function are either unavailable or do not agree on the potential impact of this missense change (SIFT: "Deleterious"; PolyPhen-2: "Probably Damaging"; Align-GVGD: "Class C0").

NM_016138.5(COQ7):c.379G>C (p.Ala127Pro)

Gene: COQ7 (coenzyme Q7, hydroxylase; plus strand). Cytogenetic location: 16p12.3.
Variant type: single nucleotide variant.
Coding change: c.379G>C on transcript NM_016138.5 (MANE Select); coding-DNA position 379, G replaced by C.
Protein change: p.Ala127Pro; replaces alanine 127 with proline.
Molecular consequence: missense variant. On other transcripts: non-coding transcript variant (3).
Genome position (GRCh38, 1-based): chr16:19,075,732, G>C. VCF-style: chr16-19075732-G-C. GRCh37 (hg19) VCF-style: chr16-19087054-G-C.
Other names: c.265G>C, p.Ala89Pro (NM_001190983.2, NM_001370492.1, NM_001370493.1 and 2 more transcripts); c.337G>C, p.Ala113Pro (NM_001370489.1, NM_001370491.1); c.379G>C, p.Ala127Pro (NM_001370490.1); short protein forms A127P, A89P, A113P.
Identifiers: ClinVar variation 2099128 (VCV002099128.4), dbSNP rs763957708, ClinGen allele CA394922372.
Genomic context (GRCh38, chr16:19,075,732, plus strand): 5'-CCGGTCATATCTGTCTCTTACTTTTCTGGTCTGGGTTTAACAATCCCAGGGGCGGGGACC[G>C]CCTTGCTCGGGAAGGAAGGTGCCATGGCCTGCACCGTGGCGGTGGAAGAGAGCATAGCAC-3'
Protein context (NP_057222.2, residues 117-137): VLGFALGAGT[Ala127Pro]LLGKEGAMAC